The following is an entry in ClinVar:

ClinVar aggregate classification (germline): Pathogenic/Likely pathogenic. Review status: criteria provided, multiple submitters, no conflicts (2 of 4 stars). 3 submissions from 3 submitters: Pathogenic (2); Likely pathogenic (1). Last evaluated 2025-11-19.

Conditions:
Hereditary cancer-predisposing syndrome. Also called: Hereditary neoplastic syndrome; Neoplastic Syndromes, Hereditary; Hereditary Cancer Syndrome; Tumor predisposition. Identifiers: Orphanet 140162, MedGen C0027672, MeSH D009386, MONDO:0015356.
Hereditary nonpolyposis colorectal neoplasms. Identifiers: MedGen C0009405, MeSH D003123.
Lynch syndrome 5 (LYNCH5). Also called: Colorectal cancer, hereditary nonpolyposis, type 5; Hereditary non-polyposis colorectal cancer, type 5. Identifiers: Orphanet 144, MedGen C1833477, MONDO:0013710, OMIM 614350. Disease mechanism: loss of function.

Submissions (3):

Myriad Genetics, Inc.
Classification: Pathogenic for Lynch syndrome 5. Last evaluated: 2025-11-19. Review status: criteria provided, single submitter. Criteria: Myriad Autosomal Dominant, Autosomal Recessive and X-Linked Classification Criteria (2023). Collection method: clinical testing. Allele origin: unknown.
Comment: This variant is considered pathogenic. This variant creates a frameshift predicted to result in premature protein truncation.

Labcorp Genetics (formerly Invitae), Labcorp
Classification: Pathogenic for Hereditary nonpolyposis colorectal neoplasms. Last evaluated: 2025-10-14. Review status: criteria provided, single submitter. Criteria: Invitae Variant Classification Sherloc (09022015). Collection method: clinical testing. Allele origin: germline.
Comment: This sequence change creates a premature translational stop signal (p.Val1160*) in the MSH6 gene. It is expected to result in an absent or disrupted protein product. Loss-of-function variants in MSH6 are known to be pathogenic (PMID: 18269114, 24362816). This variant is not present in population databases (gnomAD no frequency). This variant has not been reported in the literature in individuals affected with MSH6-related conditions. For these reasons, this variant has been classified as Pathogenic.

Institute for Genomic Medicine (IGM) Clinical Laboratory, Nationwide Children's Hospital
Classification: Likely pathogenic for Hereditary cancer-predisposing syndrome. Last evaluated: 2025-01-14. Review status: criteria provided, single submitter. Criteria: ACMG Guidelines, 2015. Collection method: clinical testing. Allele origin: germline.
Comment: This variant is predicted to result in loss of function through nonsense-mediated decay of the encoded transcript or premature truncation of the encoded protein in a gene in which loss of function is a known mechanism of disease (ACMG/AMP: PVS1; PMIDs:18269114, 24362816). This variant is absent from or present at an exceedingly low frequency in gnomAD, a large-scale control population database (ACMG/AMP: PM2).

Literature cited by the submitters: PubMed 18269114 (cited by Labcorp Genetics (formerly Invitae), Labcorp and Institute for Genomic Medicine (IGM) Clinical Laboratory, Nationwide Children's Hospital); PubMed 24362816 (cited by Labcorp Genetics (formerly Invitae), Labcorp and Institute for Genomic Medicine (IGM) Clinical Laboratory, Nationwide Children's Hospital).

NM_000179.3(MSH6):c.3478_3524del (p.Tyr1159_Val1160insTer)

Gene: MSH6 (mutS homolog 6; plus strand). Cytogenetic location: 2p16.3.
Variant type: Deletion.
Coding change: c.3478_3524del on transcript NM_000179.3 (MANE Select); coding-DNA positions 3478 to 3524, 47 bases deleted.
Protein change: p.Tyr1159_Val1160insTer.
Molecular consequence: nonsense. On other transcripts: non-coding transcript variant (4).
Genome position (GRCh38, 1-based): chr2:47,804,949-47,804,995, 47 bases deleted; deleting any 47 consecutive bases within chr2:47,804,945-47,804,995 gives the same sequence; the c. name uses the placement nearest the transcript's 3' end. GRCh37 (hg19): chr2:48,032,088-48,032,134.
Other names: c.3088_3134del, p.Tyr1029_Val1030insTer (NM_001281492.2); c.2572_2618del, p.Tyr857_Val858insTer (NM_001281493.2, NM_001281494.2, NM_001406811.1 and 6 more transcripts); c.3574_3620del, p.Tyr1191_Val1192insTer (NM_001406795.1, NM_001406802.1); c.3478_3524del, p.Tyr1159_Val1160insTer (NM_001406796.1, NM_001406800.1, NM_001406808.1 and 1 more transcripts); c.3181_3227del, p.Tyr1060_Val1061insTer (NM_001406797.1, NM_001406801.1, NM_001406805.1 and 10 more transcripts); c.3304_3350del, p.Tyr1101_Val1102insTer (NM_001406798.1); c.2953_2999del, p.Tyr984_Val985insTer (NM_001406799.1, NM_001406806.1, NM_001406807.1); c.2614_2660del, p.Tyr871_Val872insTer (NM_001406803.1); and 7 more.
Identifiers: ClinVar variation 4729214 (VCV004729214.2).